The following is an entry in ClinVar:

NM_201596.3(CACNB2):c.1727A>G (p.His576Arg)

Gene: CACNB2 (calcium voltage-gated channel auxiliary subunit beta 2; plus strand). Cytogenetic location: 10p12.31.
Variant type: single nucleotide variant.
Coding change: c.1727A>G on transcript NM_201596.3 (MANE Select); coding-DNA position 1727, A replaced by G.
Protein change: p.His576Arg; replaces histidine 576 with arginine.
Molecular consequence: missense variant.
Genome position (GRCh38, 1-based): chr10:18,539,468, A>G. VCF-style: chr10-18539468-A-G. GRCh37 (hg19) VCF-style: chr10-18828397-A-G.
Other names: c.1562A>G, p.His521Arg (NM_000724.4); c.1529A>G, p.His510Arg (NM_001167945.2); c.1448A>G, p.His483Arg (NM_001330060.2); c.1469A>G, p.His490Arg (NM_001410882.1); c.1583A>G, p.His528Arg (NM_201570.3); c.1643A>G, p.His548Arg (NM_201571.4); c.1571A>G, p.His524Arg (NM_201572.4); c.1565A>G, p.His522Arg (NM_201590.3); and 2 more; short protein forms H521R, H528R, H483R, H522R, H576R, H490R, H524R, H538R.
Identifiers: ClinVar variation 3262853 (VCV003262853.1).
Genomic context (GRCh38, chr10:18,539,468, plus strand): 5'-ACTCGGAAACCCAGGAGAGTCGAGACTCTGCCTACGTAGAGCCAAAGGAAGATTATTCCC[A>G]TGACCACGTGGACCACTATGCCTCACACCGTGACCACAACCACAGAGACGAGACCCACGG-3'
Protein context (NP_963890.2, residues 566-586): AYVEPKEDYS[His576Arg]DHVDHYASHR

ClinVar aggregate classification (germline): Uncertain significance (1 of 4 stars; one submission).

Conditions:
Cardiovascular phenotype. Identifiers: MedGen CN230736.

Submission:

Ambry Genetics
Classification: Uncertain significance for Cardiovascular phenotype. Last evaluated: 2024-05-12. Review status: criteria provided, single submitter. Criteria: Ambry Variant Classification Scheme 2023. Collection method: clinical testing. Allele origin: germline.
Comment: The p.H522R variant (also known as c.1565A>G), located in coding exon 13 of the CACNB2 gene, results from an A to G substitution at nucleotide position 1565. The histidine at codon 522 is replaced by arginine, an amino acid with highly similar properties. This amino acid position is conserved. In addition, this alteration is predicted to be tolerated by in silico analysis. Based on the available evidence, the clinical significance of this variant remains unclear.